The following is an entry in ClinVar:

ClinVar aggregate classification (germline): Pathogenic. Review status: criteria provided, multiple submitters, no conflicts (2 of 4 stars). 10 submissions from 10 submitters: Pathogenic (8). 2 of the submissions do not count toward it. Last evaluated 2025-12-26.
ClinVar aggregate classification (somatic clinical impact): Tier II - Potential (1 of 4 stars; one submission).

Conditions:
POLD1-related polyposis and colorectal cancer syndrome (CRCS10). Also called: Colorectal cancer 10; COLORECTAL CANCER, SUSCEPTIBILITY TO, ON CHROMOSOME 19q; Colorectal cancer, susceptibility to, 10. Identifiers: Orphanet 220460, MedGen C2675481, MONDO:0012953, OMIM 612591.
POLD1-related disorder. Also called: POLD1-related disorders; POLD1-related condition.
Hereditary cancer-predisposing syndrome. Also called: Hereditary Cancer Syndrome; Hereditary neoplastic syndrome; Neoplastic Syndromes, Hereditary; Tumor predisposition. Identifiers: Orphanet 140162, MedGen C0027672, MeSH D009386, MONDO:0015356.
Mandibular hypoplasia-deafness-progeroid syndrome. Also called: Mandibular hypoplasia, deafness, progeroid features, and lipodystrophy syndrome. Identifiers: Orphanet 363649, MedGen C3715192, MONDO:0014157, OMIM 615381.
Embryonal rhabdomyosarcoma (ERMS). Also called: Botryoid rhabdomyosarcoma (type of ERMS); Spindle cell rhabdomyosarcomas (type of ERMS). Identifiers: Orphanet 99757, MedGen C0206656, MONDO:0009993, HP:0006743.

Submissions (11):

GeneDx
Classification: Pathogenic. Last evaluated: 2025-12-26. Review status: criteria provided, single submitter. Criteria: GeneDx Variant Classification Process June 2021. Collection method: clinical testing. Allele origin: germline. Affected: yes.
Comment: Not observed at significant frequency in large population cohorts (gnomAD); In-frame deletion of 1 amino acid(s) in a non-repeat region; In silico analysis supports a deleterious effect on protein structure/function; This variant is associated with the following publications: (PMID: 28791128, 28521875, 29199204, 30023403, 31944473, 25131834, 20631028, 26172944, 27320729, 27757957, 26350127, 32826474, 32041611, 33369179, 33618333, 33863234, 39039281, 23770608)

Institute for Genomic Medicine (IGM) Clinical Laboratory, Nationwide Children's Hospital
Classification: Tier II - Potential for Embryonal rhabdomyosarcoma. Assertion type: diagnostic. Clinical significance: supports diagnosis. Last evaluated: 2025-05-14. Review status: criteria provided, single submitter. Criteria: AMP/ASCO/CAP Guidelines, 2017. Collection method: clinical testing. Allele origin: somatic. Affected: yes.
Comment: Variant has Tier II (potential) clinical significance as a diagnostic inclusion criterion in embryonal rhabdomyosarcoma, based on the following evidence: 1) Information in the literature supports potential biologic effect of variant (PMID: 23770608). 2) Assists in diagnosis alone or along with other biomarkers based on small studies or few case reports (Evidence Level D; PMIDs: 27320729, 23447401, 36980791).

3billion
Classification: Pathogenic for Mandibular hypoplasia-deafness-progeroid syndrome. Last evaluated: 2023-12-04. Review status: criteria provided, single submitter. Criteria: ACMG Guidelines, 2015. Collection method: clinical testing. Allele origin: germline. Affected: yes.
Comment: The variant is not observed in the gnomAD v2.1.1 dataset. Predicted Consequence/Location: Inframe deletion located in a nonrepeat region: predicted to change the length of the protein and disrupt normal protein function. Functional studies provide strong evidence of the variant having a damaging effect on the gene or gene product (PMID: 23770608, 30388038). The variant has been observed in multiple (>3) similarly affected unrelated individuals (PMID: 23770608, 26172944, 26350127, 28521875). The variant has been reported at least twice as pathogenic with clinical assertions and evidence for the classification (ClinVar ID: VCV000060775 /PMID: 23770608). Therefore, this variant is classified as Pathogenic according to the recommendation of ACMG/AMP guideline.

Laboratorio de Genetica e Diagnostico Molecular, Hospital Israelita Albert Einstein
Classification: Pathogenic for Mandibular hypoplasia-deafness-progeroid syndrome. Last evaluated: 2022-04-20. Review status: criteria provided, single submitter. Criteria: ACMG Guidelines, 2015. Collection method: clinical testing. Allele origin: germline. Affected: yes. Observed: 1 variant allele.
Comment: ACMG classification criteria: PS3 supporting, PS4 strong, PM2 moderated, PM6 strong

Revvity Omics, Revvity
Classification: Pathogenic for Mandibular hypoplasia-deafness-progeroid syndrome. Last evaluated: 2022-04-18. Review status: criteria provided, single submitter. Criteria: ACMG Guidelines, 2015. Collection method: clinical testing. Allele origin: germline.

Labcorp Genetics (formerly Invitae), Labcorp
Classification: Pathogenic for POLD1-related polyposis and colorectal cancer syndrome. Last evaluated: 2019-11-26. Review status: criteria provided, single submitter. Criteria: Invitae Variant Classification Sherloc (09022015). Collection method: clinical testing. Allele origin: germline.
Comment: For these reasons, this variant has been classified as Pathogenic. This variant has been reported to affect POLD1 protein function (PMID: 23770608, 30388038). This variant has been observed in individual(s) with clinical features of mandibular hypoplasia, deafness, progeroid features, and lipodystrophy (MDPL) (PMID: 23770608, 26350127, 28521875, 26172944). ClinVar contains an entry for this variant (Variation ID: 60775). This variant is not present in population databases (ExAC no frequency). This variant, c.1812_1814del, results in the deletion of 1 amino acid(s) of the POLD1 protein (p.Ser605del), but otherwise preserves the integrity of the reading frame.

Institute of Human Genetics Munich, TUM University Hospital
Classification: Pathogenic for Mandibular hypoplasia-deafness-progeroid syndrome. Last evaluated: 2019-10-22. Review status: criteria provided, single submitter. Criteria: Classification criteria August 2017. Collection method: clinical testing. Allele origin: de novo. Inheritance: Autosomal dominant inheritance. Affected: yes. Observed: 1 variant allele.

Ambry Genetics
Classification: Pathogenic for Hereditary cancer-predisposing syndrome. Last evaluated: 2017-05-04. Review status: criteria provided, single submitter. Criteria: Ambry Variant Classification Scheme 2023. Collection method: clinical testing. Allele origin: germline.
Comment: The c.1812_1814delCTC pathogenic mutation (also known as p.S605del) is located in coding exon 14 of the POLD1 gene. This pathogenic mutation results from an in-frame CTC deletion at nucleotide positions 1812 to 1814. This results in the in-frame deletion of a serine at codon 605. This alteration has been reported as de novo in multiple individuals with mandibular hypoplasia, deafness, progeroid features and lipodystrophy (MDPL) syndrome (Lessel D et al. Hum. Mutat., 2015 Nov;36:1070-9; Reinier F et al. Metab. Clin. Exp., 2015 Nov;64:1530-40; Weedon MN et al. Nat. Genet., 2013 Aug;45:947-50; Chen et al Int. J. Clin. Exp. Med.,2017;10(2):3876-3883). However, c.1812_1814delCTC has not, to our knowledge, been reported in individuals with polyposis or colorectal cancer. This alteration occurs in a highly conserved region of the catalytic subunit of the polymerase, and in vitro functional analysis demonstrated that the catalytic activity of the enzyme is reduced by this alteration (Weedon MN et al. Nat. Genet., 2013 Aug;45:947-50). Based on the available evidence, this alteration is interpreted as a disease causing mutation in association with MDPL syndrome; however, the clinical significance in regards to polyposis and colorectal cancer remains unclear.

Eurofins Ntd Llc (ga)
Classification: Pathogenic. Last evaluated: 2017-05-01. Review status: criteria provided, single submitter. Criteria: EGL Classification Definitions 2015. Collection method: clinical testing. Allele origin: germline. Observed: 2 variant alleles, 2 heterozygotes.

PreventionGenetics, part of Exact Sciences
Classification: Pathogenic for POLD1-related condition. Last evaluated: 2023-12-15. Review status: no assertion criteria provided. Collection method: clinical testing. Allele origin: germline. Not counted in ClinVar's aggregate classification.
Comment: The POLD1 c.1812_1814delCTC variant is predicted to result in an in-frame deletion (p.Ser605del). This variant is the most frequently reported genetic cause of mandibular hypoplasia, deafness, progeroid features, and lipodystrophy (MDPL) syndrome and has been reported de novo in the vast majority of affected individuals (Weedon et al. 2013. PubMed ID: 23770608; Lessel et al. 2015. PubMed ID: 26172944; Sasaki et al. 2018. PubMed ID: 29199204; Wang et al. 2018. PubMed ID: 30023403; Yu et al. 2021. PubMed ID: 33369179). This variant is located within the polymerase active site of POLD1, and in vitro functional studies have demonstrated that this variant leads to a total loss of polymerase activity and moderately reduced 3' exonuclease activity (~40%) compared to wild type (Weedon et al. 2013. PubMed ID: 23770608; Oh et al. 2020. PubMed ID: 31944473). Additional in vitro studies also reported a delayed response to DNA damage and increased rates of telomere shortening compared to wild type (Fiorello et al. 2018. PubMed ID: 30388038; Murdocca et al. 2021. PubMed ID: 33618333). This variant has not been reported in a large population database and is interpreted as pathogenic by multiple sources in ClinVar. Of note, this variant is located outside the 3' exonuclease domain associated with increased colorectal cancer risk and, to our knowledge, has not been reported in association with polyposis or colorectal cancer. Therefore, this variant is interpreted as pathogenic for MDPL syndrome but is considered a variant of uncertain significance for colorectal cancer susceptibility.

OMIM
Classification: Pathogenic for MANDIBULAR HYPOPLASIA, DEAFNESS, PROGEROID FEATURES, AND LIPODYSTROPHY SYNDROME. Last evaluated: 2013-08-01. Review status: no assertion criteria provided. Collection method: literature only. Allele origin: germline. Not counted in ClinVar's aggregate classification.

Literature cited by the submitters: PubMed 23770608 (cited by 6 submitters); PubMed 27320729 (cited by Institute for Genomic Medicine (IGM) Clinical Laboratory, Nationwide Children's Hospital); PubMed 23447401 (cited by Institute for Genomic Medicine (IGM) Clinical Laboratory, Nationwide Children's Hospital); PubMed 36980791 (cited by Institute for Genomic Medicine (IGM) Clinical Laboratory, Nationwide Children's Hospital); PubMed 28521875 (cited by 3billion and Labcorp Genetics (formerly Invitae), Labcorp); PubMed 26350127 (cited by 4 submitters); PubMed 26172944 (cited by 4 submitters); PubMed 30388038 (cited by 3billion and Labcorp Genetics (formerly Invitae), Labcorp).

NM_002691.4(POLD1):c.1809CTC[1] (p.Ser605del)

Gene: POLD1 (DNA polymerase delta 1, catalytic subunit; plus strand). Cytogenetic location: 19q13.33.
Variant type: Microsatellite.
Coding change: c.1809CTC[1] on transcript NM_002691.4 (MANE Select); one copy of the 3-base unit CTC starting at c.1809; the reference has two copies in a row; one copy, 3 bases deleted; also written c.1812_1814del.
Protein change: p.Ser605del; deletes serine 605.
Molecular consequence: inframe deletion. On other transcripts: non-coding transcript variant (1).
Genome position (GRCh38, 1-based): chr19:50,408,821-50,408,823, CTC deleted; deleting any 3 consecutive bases within chr19:50,408,818-50,408,823 gives the same sequence; the position shown is the placement nearest the transcript's 3' end. VCF-style (leftmost placement, unchanged base first): chr19-50408817-TCTC-T. GRCh37 (hg19) VCF-style: chr19-50912074-TCTC-T.
Other names: c.1812_1814del (NM_001256849.1, NM_002691.3, NM_002691.4); c.1809CTC[1], p.Ser605del (NM_001256849.1); c.1887CTC[1], p.Ser631del (NM_001308632.1); short protein forms S605del, S631del.
Identifiers: ClinVar variation 60775 (VCV000060775.27), dbSNP rs398122386, ClinGen allele CA144667.